The following is an entry in ClinVar:

NC_000001.10:g.(?_215847422)_(215901746_?)del

Gene: USH2A (usherin; minus strand). Cytogenetic location: 1q41.
Variant type: Deletion.
Identifiers: ClinVar variation 2427746 (VCV002427746.3).

ClinVar aggregate classification (germline): Pathogenic (1 of 4 stars; one submission).

Submission:

Labcorp Genetics (formerly Invitae), Labcorp
Classification: Pathogenic. Last evaluated: 2022-02-21. Review status: criteria provided, single submitter. Criteria: Invitae Variant Classification Sherloc (09022015). Collection method: clinical testing. Allele origin: germline.
Comment: For these reasons, this variant has been classified as Pathogenic. This variant disrupts a region of the USH2A protein in which other variant(s) (p.Gly4516Ala) have been determined to be pathogenic (PMID: 28704108; Invitae). This suggests that this is a clinically significant region of the protein, and that variants that disrupt it are likely to be disease-causing. This variant has not been reported in the literature in individuals affected with USH2A-related conditions. This variant is a gross deletion of the genomic region encompassing exon(s) 61-63 of the USH2A gene. This variant would be expected to be in-frame, preserving the integrity of the reading frame.

Literature cited by the submitters: PubMed 28704108.